The following is an entry in ClinVar:

ClinVar aggregate classification (germline): Benign. Review status: criteria provided, multiple submitters, no conflicts (2 of 4 stars). 4 submissions from 4 submitters: Benign (4). Last evaluated 2026-01-12.

Conditions:
Familial benign pemphigus (HHD). Identifiers: Orphanet 2841, MedGen C0085106, MONDO:0008218, OMIM 169600.

Allele frequency attached by ClinVar (database versions not stated): 1000 Genomes Project 0.02456; 1000 Genomes Project 30x 0.02530; TOPMed 0.04666; gnomAD 0.04970 and 0.05056; ESP Exome Variant Server 0.05797.
gnomAD v4.1: 107,663 of 1,613,022 alleles (6.7%); highest among the groups gnomAD compares: Non-Finnish European, 8%; 4,126 homozygotes.

Submissions (4):

Labcorp Genetics (formerly Invitae), Labcorp
Classification: Benign. Last evaluated: 2026-01-12. Review status: criteria provided, single submitter. Criteria: Invitae Variant Classification Sherloc (09022015). Collection method: clinical testing. Allele origin: germline.

Illumina Laboratory Services, Illumina
Classification: Benign for Familial benign pemphigus. Last evaluated: 2018-01-12. Review status: criteria provided, single submitter. Criteria: ICSL Variant Classification Criteria 13 December 2019. Collection method: clinical testing. Allele origin: germline.
Comment: This variant was observed in the ICSL laboratory as part of a predisposition screen in an ostensibly healthy population. It had not been previously curated by ICSL or reported in the Human Gene Mutation Database (HGMD: prior to June 1st, 2018), and was therefore a candidate for classification through an automated scoring system. Utilizing variant allele frequency, disease prevalence and penetrance estimates, and inheritance mode, an automated score was calculated to assess if this variant is too frequent to cause the disease. Based on the score and internal cut-off values, a variant classified as benign is not then subjected to further curation. The score for this variant resulted in a classification of benign for this disease.

GeneDx
Classification: Benign. Last evaluated: 2017-05-19. Review status: criteria provided, single submitter. Criteria: GeneDx Variant Classification (06012015). Collection method: clinical testing. Allele origin: germline. Affected: yes.
Comment: This variant is considered likely benign or benign based on one or more of the following criteria: it is a conservative change, it occurs at a poorly conserved position in the protein, it is predicted to be benign by multiple in silico algorithms, and/or has population frequency not consistent with disease.

Breakthrough Genomics
Classification: Benign. Review status: criteria provided, single submitter. Criteria: ACMG Guidelines, 2015. Collection method: not provided. Allele origin: germline. Inheritance: Autosomal dominant inheritance. Affected: yes.

NM_001378687.1(ATP2C1):c.6+15C>G

Gene: ATP2C1 (ATPase secretory pathway Ca2+ transporting 1; plus strand). Cytogenetic location: 3q22.1.
Variant type: single nucleotide variant.
Coding change: c.6+15C>G on transcript NM_001378687.1 (MANE Select); 15 bases into the intron after coding-DNA position 6, C replaced by G.
Molecular consequence: intron variant.
Genome position (GRCh38, 1-based): chr3:130,894,790, C>G. VCF-style: chr3-130894790-C-G. GRCh37 (hg19) VCF-style: chr3-130613634-C-G.
Other names: c.109-35626C>G (NM_001378511.1, NM_001199180.2, NM_001199182.2 and 1 more transcripts); c.6+15C>G (NM_001001486.2, NM_001001487.2, NM_001001485.3 and 5 more transcripts); c.-43+453C>G (NM_001378514.1, NM_001199183.2, NM_001199184.3).
Identifiers: ClinVar variation 343317 (VCV000343317.13), dbSNP rs112703671, ClinGen allele CA2614669.